The following is an entry in ClinVar:

ClinVar aggregate classification (germline): Likely benign. Review status: reviewed by expert panel (3 of 4 stars). 4 submissions from 4 submitters: Likely benign (1). 3 of the submissions do not count toward it. Last evaluated 2017-06-29.

Conditions:
Hereditary cancer-predisposing syndrome. Also called: Tumor predisposition; Hereditary Cancer Syndrome; Hereditary neoplastic syndrome; Neoplastic Syndromes, Hereditary. Identifiers: Orphanet 140162, MedGen C0027672, MeSH D009386, MONDO:0015356.
Hereditary breast ovarian cancer syndrome. Also called: Breast and ovarian cancer; Hereditary breast and ovarian cancer syndrome; Hereditary breast and ovarian cancer; BRCA1- and BRCA2-Associated Hereditary Breast and Ovarian Cancer; Hereditary breast and ovarian cancer syndrome (HBOC); Hereditary breast and/or ovarian cancer syndrome. Identifiers: Orphanet 145, MedGen C0677776, MeSH D061325, MONDO:0003582. Disease mechanism: loss of function.
Breast-ovarian cancer, familial, susceptibility to, 2 (BROVCA2). Also called: BRCA2 Hereditary Breast and Ovarian Cancer. Identifiers: Orphanet 145, MedGen C2675520, MONDO:0012933, OMIM 612555. Disease mechanism: loss of function.

Submissions (4):

Evidence-based Network for the Interpretation of Germline Mutant Alleles (ENIGMA)
Classification: Likely benign for Breast-ovarian cancer, familial, susceptibility to, 2. Last evaluated: 2017-06-29. Review status: reviewed by expert panel. Criteria: ENIGMA BRCA1/2 Classification Criteria (2017-06-29). Collection method: curation. Allele origin: germline.
Comment: Synonymous substitution variant, with low bioinformatic likelihood to result in a splicing aberration (Splicing prior probability 0.02).

Ambry Genetics
Classification: Likely benign for Hereditary cancer-predisposing syndrome. Last evaluated: 2025-06-23. Review status: criteria provided, single submitter. Criteria: Ambry Variant Classification Scheme 2023. Collection method: clinical testing. Allele origin: germline. Not counted in ClinVar's aggregate classification.

Labcorp Genetics (formerly Invitae), Labcorp
Classification: Likely benign for Hereditary breast ovarian cancer syndrome. Last evaluated: 2024-06-08. Review status: criteria provided, single submitter. Criteria: Invitae Variant Classification Sherloc (09022015). Collection method: clinical testing. Allele origin: germline. Not counted in ClinVar's aggregate classification.

Women's Health and Genetics/Laboratory Corporation of America, LabCorp
Classification: Likely benign. Last evaluated: 2019-08-21. Review status: criteria provided, single submitter. Criteria: LabCorp Variant Classification Summary - May 2015. Collection method: clinical testing. Allele origin: germline. Not counted in ClinVar's aggregate classification.

NM_000059.4(BRCA2):c.7980T>C (p.Tyr2660=)

Gene: BRCA2 (BRCA2 DNA repair associated; plus strand). Cytogenetic location: 13q13.1.
Variant type: single nucleotide variant.
Coding change: c.7980T>C on transcript NM_000059.4 (MANE Select); coding-DNA position 7980, T replaced by C.
Protein change: p.Tyr2660=; no amino-acid change (tyrosine 2660 retained).
Molecular consequence: synonymous variant.
Genome position (GRCh38, 1-based): chr13:32,363,182, T>C. VCF-style: chr13-32363182-T-C. GRCh37 (hg19) VCF-style: chr13-32937319-T-C.
Identifiers: ClinVar variation 184086 (VCV000184086.15), dbSNP rs397507949, ClinGen allele CA025380.